The following is an entry in ClinVar:

NM_015425.6(POLR1A):c.2565G>C (p.Gln855His)

Gene: POLR1A (RNA polymerase I subunit A; minus strand). Cytogenetic location: 2p11.2.
Variant type: single nucleotide variant.
Coding change: c.2565G>C on transcript NM_015425.6 (MANE Select); coding-DNA position 2565, G replaced by C.
Protein change: p.Gln855His; replaces glutamine 855 with histidine.
Molecular consequence: missense variant.
Genome position (GRCh38, 1-based): chr2:86,048,953, C>G on the plus strand (G>C on the coding strand, the complement: POLR1A is on the minus strand). VCF-style: chr2-86048953-C-G. GRCh37 (hg19) VCF-style: chr2-86276076-C-G.
Other names: c.2565G>C (NM_015425.3); short protein forms Q855H.
Identifiers: ClinVar variation 2158526 (VCV002158526.29), dbSNP rs80106112, ClinGen allele CA1746009.

ClinVar aggregate classification (germline): Conflicting classifications of pathogenicity. Review status: criteria provided, conflicting classifications (1 of 4 stars). 3 submissions from 3 submitters: Uncertain significance (2); Likely benign (1). Last evaluated 2025-07-14.

Conditions:
Inborn genetic diseases. Identifiers: MedGen C0950123, MeSH D030342.

Allele frequency attached by ClinVar (database versions not stated): gnomAD 0.00003; ExAC 0.00004; gnomAD exomes 0.00004; TOPMed 0.00004; ESP Exome Variant Server 0.00008; 1000 Genomes Project 30x 0.00016; 1000 Genomes Project 0.00020.
gnomAD v4.1: 66 of 1,614,158 alleles (0.0041%); highest among the groups gnomAD compares: Middle Eastern, 0.016%; no homozygotes.

Submissions (3):

Labcorp Genetics (formerly Invitae), Labcorp
Classification: Uncertain significance. Last evaluated: 2025-07-14. Review status: criteria provided, single submitter. Criteria: Invitae Variant Classification Sherloc (09022015). Collection method: clinical testing. Allele origin: germline.
Comment: This sequence change replaces glutamine, which is neutral and polar, with histidine, which is basic and polar, at codon 855 of the POLR1A protein (p.Gln855His). This variant is present in population databases (rs80106112, gnomAD 0.02%). This variant has not been reported in the literature in individuals affected with POLR1A-related conditions. ClinVar contains an entry for this variant (Variation ID: 2158526). Invitae Evidence Modeling of protein sequence and biophysical properties (such as structural, functional, and spatial information, amino acid conservation, physicochemical variation, residue mobility, and thermodynamic stability) indicates that this missense variant is expected to disrupt POLR1A protein function with a positive predictive value of 80%. In summary, the available evidence is currently insufficient to determine the role of this variant in disease. Therefore, it has been classified as a Variant of Uncertain Significance.

Ambry Genetics
Classification: Uncertain significance for Inborn genetic diseases. Last evaluated: 2024-07-30. Review status: criteria provided, single submitter. Criteria: Ambry Variant Classification Scheme 2023. Collection method: clinical testing. Allele origin: germline.

CeGaT Center for Human Genetics Tuebingen
Classification: Likely benign. Last evaluated: 2023-01-01. Review status: criteria provided, single submitter. Criteria: CeGaT Center For Human Genetics Tuebingen Variant Classification Criteria Version 2. Collection method: clinical testing. Allele origin: germline. Affected: yes. Observed: 1 variant allele.
Comment: POLR1A: BS2